The following is an entry in ClinVar:

NM_198525.3(KIF7):c.52G>A (p.Val18Ile)

Gene: KIF7 (kinesin family member 7; minus strand). Cytogenetic location: 15q26.1.
Variant type: single nucleotide variant.
Coding change: c.52G>A on transcript NM_198525.3 (MANE Select); coding-DNA position 52, G replaced by A.
Protein change: p.Val18Ile; replaces valine 18 with isoleucine.
Molecular consequence: missense variant.
Genome position (GRCh38, 1-based): chr15:89,652,879, C>T on the plus strand (G>A on the coding strand, the complement: KIF7 is on the minus strand). VCF-style: chr15-89652879-C-T. GRCh37 (hg19) VCF-style: chr15-90196110-C-T.
Other names: short protein forms V18I.
Identifiers: ClinVar variation 975724 (VCV000975724.6), dbSNP rs1420854824, ClinGen allele CA393781031.

ClinVar aggregate classification (germline): Uncertain significance. Review status: criteria provided, single submitter (1 of 4 stars). 2 submissions from 2 submitters: Uncertain significance (1). 1 of the submissions does not count toward it. Last evaluated 2022-03-15.

Conditions:
Acrocallosal syndrome (ACLS). Also called: Schinzel syndrome 1; Absence of corpus callosum with unusual facial appearance, mental deficiency, duplication of the halluces and polydactyly; HALLUX DUPLICATION, POSTAXIAL POLYDACTYLY, AND ABSENCE OF CORPUS CALLOSUM. Identifiers: Orphanet 36, MedGen C0796147, MONDO:0008708, OMIM 200990.
Intellectual disability. Also called: intellectual disabilities; Intellectual developmental disorder; Intellectual functioning disability. Identifiers: MedGen C3714756, MeSH D008607, MONDO:0001071, HP:0001249.

Allele frequency attached by ClinVar (database versions not stated): TOPMed below 0.00001; gnomAD exomes 0.00001.
gnomAD v4.1: 7 of 1,543,096 alleles (0.00045%); highest among the groups gnomAD compares: Middle Eastern, 0.017%; no homozygotes.

Submissions (2):

Labcorp Genetics (formerly Invitae), Labcorp
Classification: Uncertain significance for Acrocallosal syndrome. Last evaluated: 2022-03-15. Review status: criteria provided, single submitter. Criteria: Invitae Variant Classification Sherloc (09022015). Collection method: clinical testing. Allele origin: germline.
Comment: ClinVar contains an entry for this variant (Variation ID: 975724). This sequence change replaces valine, which is neutral and non-polar, with isoleucine, which is neutral and non-polar, at codon 18 of the KIF7 protein (p.Val18Ile). This variant is not present in population databases (gnomAD no frequency). This variant has not been reported in the literature in individuals affected with KIF7-related conditions. Algorithms developed to predict the effect of missense changes on protein structure and function are either unavailable or do not agree on the potential impact of this missense change (SIFT: "Deleterious"; PolyPhen-2: "Probably Damaging"; Align-GVGD: "Class C0"). In summary, the available evidence is currently insufficient to determine the role of this variant in disease. Therefore, it has been classified as a Variant of Uncertain Significance.

Centre de Biologie Pathologie Génétique, Centre Hospitalier Universitaire de Lille
Classification: Likely benign for Intellectual disability. Last evaluated: 2019-01-01. Review status: no assertion criteria provided. Collection method: clinical testing. Allele origin: inherited. Affected: yes. Not counted in ClinVar's aggregate classification.